The following is an entry in ClinVar:

NM_018191.4(RCBTB1):c.1129G>C (p.Asp377His)

Gene: RCBTB1 (RCC1 and BTB domain containing protein 1; minus strand). Cytogenetic location: 13q14.2.
Variant type: single nucleotide variant.
Coding change: c.1129G>C on transcript NM_018191.4 (MANE Select); coding-DNA position 1129, G replaced by C.
Protein change: p.Asp377His; replaces aspartic acid 377 with histidine.
Molecular consequence: missense variant. On other transcripts: non-coding transcript variant (2).
Genome position (GRCh38, 1-based): chr13:49,544,780, C>G on the plus strand (G>C on the coding strand, the complement: RCBTB1 is on the minus strand). VCF-style: chr13-49544780-C-G. GRCh37 (hg19) VCF-style: chr13-50118916-C-G.
Other names: c.1129G>C (NM_018191.3); c.1129G>C, p.Asp377His (NM_001352500.2, NM_001352501.2, NM_001352502.2 and 2 more transcripts); c.550G>C, p.Asp184His (NM_001352506.2); short protein forms D184H, D377H.
Identifiers: ClinVar variation 1398202 (VCV001398202.10), dbSNP rs774842821, ClinGen allele CA6982658.

ClinVar aggregate classification (germline): Uncertain significance. Review status: criteria provided, multiple submitters, no conflicts (2 of 4 stars). 4 submissions from 4 submitters: Uncertain significance (3). 1 of the submissions does not count toward it. Last evaluated 2024-02-21.

Conditions:
RCBTB1-related disorder. Also called: RCBTB1-related condition.

Allele frequency attached by ClinVar (database versions not stated): gnomAD exomes 0.00001 and 0.00002; ExAC 0.00002; TOPMed 0.00002; gnomAD 0.00003 and 0.00004.
gnomAD v4.1: 20 of 1,611,932 alleles (0.0012%); highest among the groups gnomAD compares: East Asian, 0.042%; no homozygotes.

Submissions (4):

Ambry Genetics
Classification: Uncertain significance. Last evaluated: 2024-02-21. Review status: criteria provided, single submitter. Criteria: Ambry Variant Classification Scheme 2023. Collection method: clinical testing. Allele origin: germline.

Blueprint Genetics
Classification: Uncertain significance. Last evaluated: 2021-12-27. Review status: criteria provided, single submitter. Criteria: ACMG Guidelines, 2015. Collection method: clinical testing. Allele origin: germline.

Labcorp Genetics (formerly Invitae), Labcorp
Classification: Uncertain significance. Last evaluated: 2021-08-19. Review status: criteria provided, single submitter. Criteria: Invitae Variant Classification Sherloc (09022015). Collection method: clinical testing. Allele origin: germline.
Comment: This sequence change replaces aspartic acid with histidine at codon 377 of the RCBTB1 protein (p.Asp377His). The aspartic acid residue is highly conserved and there is a moderate physicochemical difference between aspartic acid and histidine. In summary, the available evidence is currently insufficient to determine the role of this variant in disease. Therefore, it has been classified as a Variant of Uncertain Significance. Algorithms developed to predict the effect of missense changes on protein structure and function are either unavailable or do not agree on the potential impact of this missense change (SIFT: "Deleterious"; PolyPhen-2: "Benign"; Align-GVGD: "Class C0"). This variant has not been reported in the literature in individuals affected with RCBTB1-related conditions. This variant is present in population databases (rs774842821, ExAC 0.03%).

PreventionGenetics, part of Exact Sciences
Classification: Uncertain significance for RCBTB1-related condition. Last evaluated: 2024-07-29. Review status: no assertion criteria provided. Collection method: clinical testing. Allele origin: germline. Not counted in ClinVar's aggregate classification.
Comment: The RCBTB1 c.1129G>C variant is predicted to result in the amino acid substitution p.Asp377His. To our knowledge, this variant has not been reported in the literature. This variant is reported in 0.050% of alleles in individuals of East Asian descent in gnomAD, which may be too frequent to be an undocumented cause of disease. Although we suspect that this variant may be benign, at this time, the clinical significance of this variant is uncertain due to the absence of conclusive functional and genetic evidence.